The following is an entry in ClinVar:

NM_004281.4(BAG3):c.949C>T (p.Pro317Ser)

Gene: BAG3 (BAG cochaperone 3; plus strand). Cytogenetic location: 10q26.11.
Variant type: single nucleotide variant.
Coding change: c.949C>T on transcript NM_004281.4 (MANE Select); coding-DNA position 949, C replaced by T.
Protein change: p.Pro317Ser; replaces proline 317 with serine.
Molecular consequence: missense variant.
Genome position (GRCh38, 1-based): chr10:119,676,503, C>T. VCF-style: chr10-119676503-C-T. GRCh37 (hg19) VCF-style: chr10-121436015-C-T.
Other names: short protein forms P317S.
Identifiers: ClinVar variation 1415077 (VCV001415077.8), dbSNP rs2134068679, ClinGen allele CA378296326.

ClinVar aggregate classification (germline): Uncertain significance (1 of 4 stars; one submission).

Conditions:
Dilated cardiomyopathy 1HH (CMD1HH). Identifiers: Orphanet 154, MedGen C3151293, MONDO:0013479, OMIM 613881.
Myofibrillar myopathy 6. Identifiers: Orphanet 199340, MedGen C2751831, MONDO:0013061, OMIM 612954.

Submission:

Labcorp Genetics (formerly Invitae), Labcorp
Classification: Uncertain significance for Dilated cardiomyopathy 1HH; Myofibrillar myopathy 6. Last evaluated: 2023-06-15. Review status: criteria provided, single submitter. Criteria: Invitae Variant Classification Sherloc (09022015). Collection method: clinical testing. Allele origin: germline.
Comment: In summary, the available evidence is currently insufficient to determine the role of this variant in disease. Therefore, it has been classified as a Variant of Uncertain Significance. Advanced modeling of protein sequence and biophysical properties (such as structural, functional, and spatial information, amino acid conservation, physicochemical variation, residue mobility, and thermodynamic stability) performed at Invitae indicates that this missense variant is not expected to disrupt BAG3 protein function. ClinVar contains an entry for this variant (Variation ID: 1415077). This variant has not been reported in the literature in individuals affected with BAG3-related conditions. This variant is not present in population databases (gnomAD no frequency). This sequence change replaces proline, which is neutral and non-polar, with serine, which is neutral and polar, at codon 317 of the BAG3 protein (p.Pro317Ser).